The following is an entry in ClinVar:

ClinVar aggregate classification (germline): Benign. Review status: criteria provided, multiple submitters, no conflicts (2 of 4 stars). 2 submissions from 2 submitters: Benign (2). Last evaluated 2018-06-14.

Allele frequency attached by ClinVar (database versions not stated): 1000 Genomes Project 0.26358; TOPMed 0.28630; 1000 Genomes Project 30x 0.26015; ESP Exome Variant Server 0.31386.
gnomAD v4.1: 547,850 of 1,602,812 alleles (34%); highest among the groups gnomAD compares: Non-Finnish European, 37%; 96,116 homozygotes.

Submissions (2):

GeneDx
Classification: Benign. Last evaluated: 2018-06-14. Review status: criteria provided, single submitter. Criteria: GeneDx Variant Classification (06012015). Collection method: clinical testing. Allele origin: germline. Affected: yes.
Comment: This variant is considered likely benign or benign based on one or more of the following criteria: it is a conservative change, it occurs at a poorly conserved position in the protein, it is predicted to be benign by multiple in silico algorithms, and/or has population frequency not consistent with disease.

Breakthrough Genomics
Classification: Benign. Review status: criteria provided, single submitter. Criteria: ACMG Guidelines, 2015. Collection method: not provided. Allele origin: germline. Inheritance: Unknown mechanism. Affected: yes.

NM_001171155.1(PET100):c.-327G>A

Genes: PET100 (PET100 cytochrome c oxidase chaperone; plus strand), XAB2 (XPA binding protein 2; minus strand), LOC130063379 (ATAC-STARR-seq lymphoblastoid active region 13888; plus strand). Cytogenetic location: 19p13.2.
Variant type: single nucleotide variant.
Coding change: c.-327G>A on transcript NM_001171155.1; 327 bases upstream of the start codon, G replaced by A.
Molecular consequence: synonymous variant (on NM_020196.3).
Genome position (GRCh38, 1-based): chr19:7,629,507, G>A. VCF-style: chr19-7629507-G-A. GRCh37 (hg19) VCF-style: chr19-7694393-G-A.
Other names: c.21C>T, p.Leu7= (NM_020196.3).
Identifiers: ClinVar variation 683454 (VCV000683454.4), dbSNP rs4134809, ClinGen allele CA9142807.